The following is an entry in ClinVar:

NM_005534.4(IFNGR2):c.298A>G (p.Ser100Gly)

Gene: IFNGR2 (interferon gamma receptor 2; plus strand). Cytogenetic location: 21q22.11.
Variant type: single nucleotide variant.
Coding change: c.298A>G on transcript NM_005534.4 (MANE Select); coding-DNA position 298, A replaced by G.
Protein change: p.Ser100Gly; replaces serine 100 with glycine.
Molecular consequence: missense variant.
Genome position (GRCh38, 1-based): chr21:33,421,571, A>G. VCF-style: chr21-33421571-A-G. GRCh37 (hg19) VCF-style: chr21-34793878-A-G.
Other names: c.355A>G, p.Ser119Gly (NM_001329128.2); short protein forms S119G, S100G.
Identifiers: ClinVar variation 1442645 (VCV001442645.8), dbSNP rs2123349022, ClinGen allele CA410117289.
Genomic context (GRCh38, chr21:33,421,571, plus strand): 5'-ATGTCCATAGGGGTGAATTGTACACAGATCACAGCAACAGAGTGTGACTTCACTGCCGCC[A>G]GTCCCTCAGCAGGCTTCCCAATGGATTTCAATGTCACTCTACGCCTTCGAGCTGAGCTGG-3'
Protein context (NP_005525.2, residues 90-110): TATECDFTAA[Ser100Gly]PSAGFPMDFN

ClinVar aggregate classification (germline): Uncertain significance (1 of 4 stars; one submission).

Conditions:
Immunodeficiency 28 (IMD28). Also called: IFNGR2 DEFICIENCY. Identifiers: Orphanet 319547, Orphanet 319574, MedGen C4013947, MONDO:0013953, OMIM 614889.

Submission:

Labcorp Genetics (formerly Invitae), Labcorp
Classification: Uncertain significance for Immunodeficiency 28. Last evaluated: 2023-05-15. Review status: criteria provided, single submitter. Criteria: Invitae Variant Classification Sherloc (09022015). Collection method: clinical testing. Allele origin: germline.
Comment: In summary, the available evidence is currently insufficient to determine the role of this variant in disease. Therefore, it has been classified as a Variant of Uncertain Significance. Advanced modeling of protein sequence and biophysical properties (such as structural, functional, and spatial information, amino acid conservation, physicochemical variation, residue mobility, and thermodynamic stability) performed at Invitae indicates that this missense variant is not expected to disrupt IFNGR2 protein function. ClinVar contains an entry for this variant (Variation ID: 1442645). This variant has not been reported in the literature in individuals affected with IFNGR2-related conditions. This variant is not present in population databases (gnomAD no frequency). This sequence change replaces serine, which is neutral and polar, with glycine, which is neutral and non-polar, at codon 100 of the IFNGR2 protein (p.Ser100Gly).